The following is an entry in ClinVar:

ClinVar aggregate classification (germline): Uncertain significance. Review status: criteria provided, multiple submitters, no conflicts (2 of 4 stars). 3 submissions from 3 submitters: Uncertain significance (3). Last evaluated 2025-12-24.

Conditions:
Developmental and epileptic encephalopathy, 33 (DEE33). Also called: Epileptic encephalopathy, early infantile, 33. Identifiers: Orphanet 442835, MedGen C4225337, MONDO:0014625, OMIM 616409.
Inborn genetic diseases. Identifiers: MedGen C0950123, MeSH D030342.

Allele frequency attached by ClinVar (database versions not stated): TOPMed below 0.00001.

Submissions (3):

Ambry Genetics
Classification: Uncertain significance for Inborn genetic diseases. Last evaluated: 2025-12-24. Review status: criteria provided, single submitter. Criteria: Ambry Variant Classification Scheme 2023. Collection method: clinical testing. Allele origin: germline.

Labcorp Genetics (formerly Invitae), Labcorp
Classification: Uncertain significance for Developmental and epileptic encephalopathy, 33. Last evaluated: 2024-01-07. Review status: criteria provided, single submitter. Criteria: Invitae Variant Classification Sherloc (09022015). Collection method: clinical testing. Allele origin: germline.
Comment: This sequence change replaces serine, which is neutral and polar, with arginine, which is basic and polar, at codon 163 of the EEF1A2 protein (p.Ser163Arg). This variant is not present in population databases (gnomAD no frequency). This variant has not been reported in the literature in individuals affected with EEF1A2-related conditions. ClinVar contains an entry for this variant (Variation ID: 1711936). Advanced modeling of protein sequence and biophysical properties (such as structural, functional, and spatial information, amino acid conservation, physicochemical variation, residue mobility, and thermodynamic stability) performed at Invitae indicates that this missense variant is not expected to disrupt EEF1A2 protein function with a negative predictive value of 80%. In summary, the available evidence is currently insufficient to determine the role of this variant in disease. Therefore, it has been classified as a Variant of Uncertain Significance.

GeneDx
Classification: Uncertain significance. Last evaluated: 2022-04-24. Review status: criteria provided, single submitter. Criteria: GeneDx Variant Classification Process June 2021. Collection method: clinical testing. Allele origin: germline. Affected: yes.
Comment: Not observed at significant frequency in large population cohorts (gnomAD); In silico analysis supports that this missense variant has a deleterious effect on protein structure/function; Has not been previously published as pathogenic or benign to our knowledge

NM_001958.5(EEF1A2):c.489C>G (p.Ser163Arg)

Genes: EEF1A2 (eukaryotic translation elongation factor 1 alpha 2; minus strand), LOC132090595 (Neanderthal introgressed variant-containing enhancer experimental_60987; plus strand). Cytogenetic location: 20q13.33.
Variant type: single nucleotide variant.
Coding change: c.489C>G on transcript NM_001958.5 (MANE Select); coding-DNA position 489, C replaced by G.
Protein change: p.Ser163Arg; replaces serine 163 with arginine.
Molecular consequence: missense variant.
Genome position (GRCh38, 1-based): chr20:63,494,937, G>C on the plus strand (C>G on the coding strand, the complement: EEF1A2 is on the minus strand). VCF-style: chr20-63494937-G-C. GRCh37 (hg19) VCF-style: chr20-62126290-G-C.
Other names: c.489C>G (NM_001958.2); short protein forms S163R.
Identifiers: ClinVar variation 1711936 (VCV001711936.6), dbSNP rs138632721, ClinGen allele CA409649661.